The following is an entry in ClinVar:

ClinVar aggregate classification (germline): Uncertain significance (1 of 4 stars; one submission).

Conditions:
46,XY sex reversal 7. Also called: DHH-Related 46,XY complete gonadal dysgenesis; GONADAL DYSGENESIS, XY, MALE-LIMITED; 46,XY SEX REVERSAL, PARTIAL OR COMPLETE, DHH-RELATED; 46,XY GONADAL DYSGENESIS, PARTIAL OR COMPLETE, DHH-RELATED. Identifiers: Orphanet 242, MedGen C1856273, MONDO:0009301, OMIM 233420.

Submission:

3billion
Classification: Uncertain significance for 46,XY sex reversal 7. Review status: criteria provided, single submitter. Criteria: ACMG Guidelines, 2015. Collection method: clinical testing. Allele origin: unknown. Affected: yes. Observed: 1 heterozygote.
Comment: The variant is not observed in the gnomAD v2.1.1 dataset. Missense changes are a common disease-causing mechanism. In silico tool predictions suggest damaging effect of the variant on gene or gene product (REVEL: 0.91; 3Cnet: 0.04). Therefore, this variant is classified as Uncertain significance according to the recommendation of ACMG/AMP guideline.

NM_021044.4(DHH):c.119T>C (p.Leu40Pro)

Genes: DHH (desert hedgehog signaling molecule; minus strand), DHH-AS1 (DHH antisense RNA 1; plus strand). Cytogenetic location: 12q13.12.
Variant type: single nucleotide variant.
Coding change: c.119T>C on transcript NM_021044.4 (MANE Select); coding-DNA position 119, T replaced by C.
Protein change: p.Leu40Pro; replaces leucine 40 with proline.
Molecular consequence: missense variant.
Genome position (GRCh38, 1-based): chr12:49,094,394, A>G on the plus strand (T>C on the coding strand, the complement: DHH is on the minus strand). VCF-style: chr12-49094394-A-G. GRCh37 (hg19) VCF-style: chr12-49488177-A-G.
Other names: short protein forms L40P.
Identifiers: ClinVar variation 2572517 (VCV002572517.1), dbSNP rs2498544169, ClinGen allele CA384726902.
Genomic context (GRCh38, chr12:49,094,394, plus strand): 5'-CTGGCGCCCAGGGTCCGCTCTGGCACGCCGGGCACAAATTGCTTGTAGAGTAGCGGCACG[A>G]GCTGCTTGCGCGCATAGCGGCGCCGGCCAACCGGCCCCCGGCCCGGCCCGCAGCTCTGGG-3'
Protein context (NP_066382.1, residues 30-50): VGRRRYARKQ[Leu40Pro]VPLLYKQFVP